The following is an entry in ClinVar:

ClinVar aggregate classification (germline): Likely pathogenic (1 of 4 stars; one submission).

Conditions:
Dilated cardiomyopathy 1G (CMD1G). Identifiers: Orphanet 154, MedGen C1858763, MONDO:0011400, OMIM 604145.

Submission:

KardioGenetik, Herz- und Diabeteszentrum NRW
Classification: Likely pathogenic for Dilated cardiomyopathy 1G. Last evaluated: 2025-09-08. Review status: criteria provided, single submitter. Criteria: ACMG Guidelines, 2015. Collection method: clinical testing. Allele origin: unknown. Affected: yes. Observed: 1 variant allele.
Comment: The specific TTN variant c.27781dup has not been previously reported in the scientific literature or in variant databases. It is absent from population cohorts in the gnomAD database, with an allele frequency of zero. The duplication of an adenine nucleotide at cDNA position 27781 results in a frameshift and the subsequent introduction of a premature stop codon. It is important to note that this TTN variant is located within the I-band region of titin, which is less commonly affected by pathogenic variants. Furthermore, it impacts only the long cardiac isoform and the skeletal muscle isoform of titin, both of which are affected by the premature termination of translation, leading to a loss of approximately 74% of the protein. Based on studies investigating TTN RNA and TTN expression in left ventricular tissue from patients with DCM, it has been shown that truncating TTN variants are stably expressed but form intracellular protein aggregates, rendering them non-functional (PMID 34731013). This results in haploinsufficiency due to a reduced amount of functional titin within the cell, consistent with the pathogenic mechanism for DCM-associated truncating TTN variants as defined by the Clinical Genome Resource (ClinGen).

NM_001267550.2(TTN):c.27781dup (p.Thr9261fs)

Gene: TTN (titin; minus strand). Cytogenetic location: 2q31.2.
Variant type: Duplication.
Coding change: c.27781dup on transcript NM_001267550.2 (MANE Select); coding-DNA position 27781, one base duplicated (A; older notation c.27781dupA).
Protein change: p.Thr9261fs; shifts the reading frame from threonine 9261.
Molecular consequence: frameshift variant. On other transcripts: intron variant (3).
Genome position (GRCh38, 1-based): chr2:178,712,049, T duplicated on the plus strand (A on the coding strand, the reverse complement: TTN is on the minus strand). VCF-style (leftmost placement, unchanged base first): chr2-178712048-G-GT. GRCh37 (hg19) VCF-style: chr2-179576775-G-GT.
Other names: c.26830dup, p.Thr8944fs (NM_001256850.1); c.24049dup, p.Thr8017fs (NM_133378.4); c.13282+26033dup (NM_003319.4); c.13858+26033dup (NM_133437.4); c.13657+26033dup (NM_133432.3); short protein forms T8017fs, T8944fs, T9261fs.
Identifiers: ClinVar variation 4530631 (VCV004530631.1).